The following is an entry in ClinVar:

NM_005502.4(ABCA1):c.2138G>A (p.Ser713Asn)

Gene: ABCA1 (ATP binding cassette subfamily A member 1; minus strand). Cytogenetic location: 9q31.1.
Variant type: single nucleotide variant.
Coding change: c.2138G>A on transcript NM_005502.4 (MANE Select); coding-DNA position 2138, G replaced by A.
Protein change: p.Ser713Asn; replaces serine 713 with asparagine.
Molecular consequence: missense variant.
Genome position (GRCh38, 1-based): chr9:104,827,147, C>T on the plus strand (G>A on the coding strand, the complement: ABCA1 is on the minus strand). VCF-style: chr9-104827147-C-T. GRCh37 (hg19) VCF-style: chr9-107589428-C-T.
Other names: short protein forms S713N.
Identifiers: ClinVar variation 3224733 (VCV003224733.1), dbSNP rs2538164949, ClinGen allele CA374321952.

ClinVar aggregate classification (germline): Uncertain significance (1 of 4 stars; one submission).

Conditions:
Cardiovascular phenotype. Identifiers: MedGen CN230736.

Allele frequency attached by ClinVar (database versions not stated): gnomAD exomes below 0.00001.
gnomAD v4.1: 1 of 1,614,192 alleles (0.000062%); highest among the groups gnomAD compares: Non-Finnish European, 0.000085%; no homozygotes.

Submission:

Ambry Genetics
Classification: Uncertain significance for Cardiovascular phenotype. Last evaluated: 2023-09-22. Review status: criteria provided, single submitter. Criteria: Ambry Variant Classification Scheme 2023. Collection method: clinical testing. Allele origin: germline.
Comment: The p.S713N variant (also known as c.2138G>A), located in coding exon 15 of the ABCA1 gene, results from a G to A substitution at nucleotide position 2138. The serine at codon 713 is replaced by asparagine, an amino acid with highly similar properties. This amino acid position is conserved. In addition, the in silico prediction for this alteration is inconclusive. Since supporting evidence is limited at this time, the clinical significance of this alteration remains unclear.